The following is an entry in ClinVar:

NM_018417.6(ADCY10):c.2402G>C (p.Arg801Thr)

Gene: ADCY10 (adenylate cyclase 10; minus strand). Cytogenetic location: 1q24.2.
Variant type: single nucleotide variant.
Coding change: c.2402G>C on transcript NM_018417.6 (MANE Select); coding-DNA position 2402, G replaced by C.
Protein change: p.Arg801Thr; replaces arginine 801 with threonine.
Molecular consequence: missense variant.
Genome position (GRCh38, 1-based): chr1:167,848,396, C>G on the plus strand (G>C on the coding strand, the complement: ADCY10 is on the minus strand). VCF-style: chr1-167848396-C-G. GRCh37 (hg19) VCF-style: chr1-167817634-C-G.
Other names: c.1943G>C, p.Arg648Thr (NM_001167749.3); c.2126G>C, p.Arg709Thr (NM_001297772.2); c.2402G>C (NM_018417.5); short protein forms R648T, R709T, R801T.
Identifiers: ClinVar variation 3618698 (VCV003618698.3).

ClinVar aggregate classification (germline): Uncertain significance. Review status: criteria provided, multiple submitters, no conflicts (2 of 4 stars). 2 submissions from 2 submitters: Uncertain significance (2). Last evaluated 2025-05-15.

Conditions:
ADCY10-related disorder. Also called: ADCY10-related condition.

gnomAD v4.1: 5 of 1,613,872 alleles (0.00031%); highest among the groups gnomAD compares: Admixed American, 0.0017%; no homozygotes.

Submissions (2):

PreventionGenetics, part of Exact Sciences
Classification: Uncertain significance for ADCY10-related condition. Last evaluated: 2025-05-15. Review status: criteria provided, single submitter. Criteria: ACMG Guidelines, 2015. Collection method: clinical testing. Allele origin: germline.
Comment: The ADCY10 c.2402G>C variant is predicted to result in the amino acid substitution p.Arg801Thr. To our knowledge, this variant has not been reported in the literature. This variant has been reported in 1 heterozygous individual within the ‘other’ subpopulation in gnomAD. At this time, the clinical significance of this variant is uncertain due to the absence of conclusive functional and genetic evidence.

Labcorp Genetics (formerly Invitae), Labcorp
Classification: Uncertain significance. Last evaluated: 2024-09-01. Review status: criteria provided, single submitter. Criteria: Invitae Variant Classification Sherloc (09022015). Collection method: clinical testing. Allele origin: germline.
Comment: This sequence change replaces arginine, which is basic and polar, with threonine, which is neutral and polar, at codon 801 of the ADCY10 protein (p.Arg801Thr). This variant is present in population databases (no rsID available, gnomAD no frequency). This variant has not been reported in the literature in individuals affected with ADCY10-related conditions. An algorithm developed to predict the effect of missense changes on protein structure and function (PolyPhen-2) suggests that this variant is likely to be disruptive. In summary, the available evidence is currently insufficient to determine the role of this variant in disease. Therefore, it has been classified as a Variant of Uncertain Significance.